The following is an entry in ClinVar:

ClinVar aggregate classification (germline): Likely benign (1 of 4 stars; one submission).

Submission:

CeGaT Center for Human Genetics Tuebingen
Classification: Likely benign. Last evaluated: 2026-02-01. Review status: criteria provided, single submitter. Criteria: CeGaT Center For Human Genetics Tuebingen Variant Classification Criteria Version 2. Collection method: clinical testing. Allele origin: germline. Affected: yes. Observed: 1 variant allele.
Comment: CCDC88A: BS2

NM_001365480.1(CCDC88A):c.164+12786C>T

Gene: CCDC88A (coiled-coil and HOOK domain protein 88A; minus strand). Cytogenetic location: 2p16.1.
Variant type: single nucleotide variant.
Coding change: c.164+12786C>T on transcript NM_001365480.1 (MANE Select); 12786 bases into the intron after coding-DNA position 164, C replaced by T.
Molecular consequence: intron variant.
Genome position (GRCh38, 1-based): chr2:55,406,030, G>A on the plus strand (C>T on the coding strand, the complement: CCDC88A is on the minus strand). VCF-style: chr2-55406030-G-A. GRCh37 (hg19) VCF-style: chr2-55633166-G-A.
Other names: c.164+12786C>T (NM_001254943.2, NM_001135597.2, NM_018084.5).
Identifiers: ClinVar variation 4822135 (VCV004822135.4).